The following is an entry in ClinVar:

ClinVar aggregate classification (germline): Uncertain significance. Review status: criteria provided, multiple submitters, no conflicts (2 of 4 stars). 2 submissions from 2 submitters: Uncertain significance (2). Last evaluated 2025-04-02.

Conditions:
Cardiovascular phenotype. Identifiers: MedGen CN230736.
Myofibrillar myopathy 6. Identifiers: Orphanet 199340, MedGen C2751831, MONDO:0013061, OMIM 612954.
Dilated cardiomyopathy 1HH (CMD1HH). Identifiers: Orphanet 154, MedGen C3151293, MONDO:0013479, OMIM 613881.

Allele frequency attached by ClinVar (database versions not stated): gnomAD exomes below 0.00001.
gnomAD v4.1: 3 of 1,614,158 alleles (0.00019%); highest among the groups gnomAD compares: Non-Finnish European, 0.00017%; no homozygotes.

Submissions (2):

Ambry Genetics
Classification: Uncertain significance for Cardiovascular phenotype. Last evaluated: 2025-04-02. Review status: criteria provided, single submitter. Criteria: Ambry Variant Classification Scheme 2023. Collection method: clinical testing. Allele origin: germline.
Comment: The p.P376H variant (also known as c.1127C>A), located in coding exon 4 of the BAG3 gene, results from a C to A substitution at nucleotide position 1127. The proline at codon 376 is replaced by histidine, an amino acid with similar properties. This amino acid position is conserved. In addition, the in silico prediction for this alteration is inconclusive. Based on the available evidence, the clinical significance of this variant remains unclear.

Labcorp Genetics (formerly Invitae), Labcorp
Classification: Uncertain significance for Dilated cardiomyopathy 1HH; Myofibrillar myopathy 6. Last evaluated: 2021-06-16. Review status: criteria provided, single submitter. Criteria: Invitae Variant Classification Sherloc (09022015). Collection method: clinical testing. Allele origin: germline.
Comment: This sequence change replaces proline with histidine at codon 376 of the BAG3 protein (p.Pro376His). The proline residue is highly conserved and there is a moderate physicochemical difference between proline and histidine. This variant is not present in population databases (ExAC no frequency). In summary, the available evidence is currently insufficient to determine the role of this variant in disease. Therefore, it has been classified as a Variant of Uncertain Significance. Algorithms developed to predict the effect of missense changes on protein structure and function are either unavailable or do not agree on the potential impact of this missense change (SIFT: "Deleterious"; PolyPhen-2: "Not Available"; Align-GVGD: "Class C0"). This variant has not been reported in the literature in individuals with BAG3-related conditions.

NM_004281.4(BAG3):c.1127C>A (p.Pro376His)

Gene: BAG3 (BAG cochaperone 3; plus strand). Cytogenetic location: 10q26.11.
Variant type: single nucleotide variant.
Coding change: c.1127C>A on transcript NM_004281.4 (MANE Select); coding-DNA position 1127, C replaced by A.
Protein change: p.Pro376His; replaces proline 376 with histidine.
Molecular consequence: missense variant.
Genome position (GRCh38, 1-based): chr10:119,676,681, C>A. VCF-style: chr10-119676681-C-A. GRCh37 (hg19) VCF-style: chr10-121436193-C-A.
Other names: c.1127C>A (NM_004281.3); short protein forms P376H.
Identifiers: ClinVar variation 1465404 (VCV001465404.9), dbSNP rs2134068908, ClinGen allele CA378296686.
Genomic context (GRCh38, chr10:119,676,681, plus strand): 5'-CACCTCCCTCTGAGAAGGTAGAGGTGAAAGTTCCCCCTGCTCCAGTTCCTTGTCCTCCTC[C>A]CAGCCCTGGCCCTTCTGCTGTCCCCTCTTCCCCCAAGAGTGTGGCTACAGAAGAGAGGGC-3'
Protein context (NP_004272.2, residues 366-386): VPPAPVPCPP[Pro376His]SPGPSAVPSS